The following is an entry in ClinVar:

NM_006514.4(SCN10A):c.39C>T (p.Phe13=)

Gene: SCN10A (sodium voltage-gated channel alpha subunit 10; minus strand). Cytogenetic location: 3p22.2.
Variant type: single nucleotide variant.
Coding change: c.39C>T on transcript NM_006514.4 (MANE Select); coding-DNA position 39, C replaced by T.
Protein change: p.Phe13=; no amino-acid change (phenylalanine 13 retained).
Molecular consequence: synonymous variant.
Genome position (GRCh38, 1-based): chr3:38,793,972, G>A on the plus strand (C>T on the coding strand, the complement: SCN10A is on the minus strand). VCF-style: chr3-38793972-G-A. GRCh37 (hg19) VCF-style: chr3-38835463-G-A.
Other names: c.39C>T, p.Phe13= (NM_001293306.2, NM_001293307.2).
Identifiers: ClinVar variation 508861 (VCV000508861.11), dbSNP rs181048561, ClinGen allele CA2321318.
Genomic context (GRCh38, chr3:38,793,972, plus strand): 5'-TCCCTGCTTGGCAGCAATTTGCTTCTCTATCTCCACCAGTGACTCCGGAGTAAAGCGACG[G>A]AAGTTGTTAGTTTCGAGGGATCCAATGGGGAATTCCATCTTCTCATTCTTCTTCAGGAAG-3'
Protein context (NP_006505.4, residues 3-23): FPIGSLETNN[Phe13=]RRFTPESLVE

ClinVar aggregate classification (germline): Likely benign. Review status: criteria provided, multiple submitters, no conflicts (2 of 4 stars). 4 submissions from 4 submitters: Likely benign (4). Last evaluated 2026-01-04.

Conditions:
Cardiovascular phenotype. Identifiers: MedGen CN230736.
Brugada syndrome. Also called: Sudden unexpected nocturnal death syndrome; Sudden Unexplained Death Syndrome; Sudden Unexplained Nocturnal Death Syndrome (SUNDS); Sudden unexplained nocturnal death syndrome. Identifiers: Orphanet 130, MedGen C1142166, MONDO:0015263.

Allele frequency attached by ClinVar (database versions not stated): ExAC 0.00007; gnomAD 0.00007; gnomAD exomes 0.00007 and 0.00008; TOPMed 0.00007; 1000 Genomes Project 0.00020; 1000 Genomes Project 30x 0.00031.
gnomAD v4.1: 118 of 1,613,976 alleles (0.0073%); highest among the groups gnomAD compares: Admixed American, 0.04%; no homozygotes.

Submissions (4):

Labcorp Genetics (formerly Invitae), Labcorp
Classification: Likely benign for Brugada syndrome. Last evaluated: 2026-01-04. Review status: criteria provided, single submitter. Criteria: Invitae Variant Classification Sherloc (09022015). Collection method: clinical testing. Allele origin: germline.

Blueprint Genetics
Classification: Likely benign. Last evaluated: 2023-07-11. Review status: criteria provided, single submitter. Criteria: ACMG Guidelines, 2015. Collection method: clinical testing. Allele origin: germline.

Ambry Genetics
Classification: Likely benign for Cardiovascular phenotype. Last evaluated: 2019-07-11. Review status: criteria provided, single submitter. Criteria: Ambry Variant Classification Scheme 2023. Collection method: clinical testing. Allele origin: germline.

GeneDx
Classification: Likely benign. Last evaluated: 2017-04-10. Review status: criteria provided, single submitter. Criteria: GeneDx Variant Classification (06012015). Collection method: clinical testing. Allele origin: germline. Affected: yes.
Comment: This variant is considered likely benign or benign based on one or more of the following criteria: it is a conservative change, it occurs at a poorly conserved position in the protein, it is predicted to be benign by multiple in silico algorithms, and/or has population frequency not consistent with disease.